The following is an entry in ClinVar:

NM_001369369.1(FOXN1):c.1814C>T (p.Ser605Phe)

Gene: FOXN1 (forkhead box N1; plus strand). Cytogenetic location: 17q11.2.
Variant type: single nucleotide variant.
Coding change: c.1814C>T on transcript NM_001369369.1 (MANE Select); coding-DNA position 1814, C replaced by T.
Protein change: p.Ser605Phe; replaces serine 605 with phenylalanine.
Molecular consequence: missense variant.
Genome position (GRCh38, 1-based): chr17:28,537,303, C>T. VCF-style: chr17-28537303-C-T. GRCh37 (hg19) VCF-style: chr17-26864321-C-T.
Other names: c.1814C>T, p.Ser605Phe (NM_003593.3); short protein forms S605F.
Identifiers: ClinVar variation 1977439 (VCV001977439.2), dbSNP rs1567605781, ClinGen allele CA398328237.
Genomic context (GRCh38, chr17:28,537,303, plus strand): 5'-CCTGTCTGACAGAGACAGGCAGTGGGGCAGGTGACTTGGCAGCCCCGGGCAGTGGTGGCT[C>T]CGGGGCACTGGGTGACCTGCACCTCACCACCCTCTACTCTGCCTTTATGGAGCTGGAGCC-3'
Protein context (NP_001356298.1, residues 595-615): GDLAAPGSGG[Ser605Phe]GALGDLHLTT

ClinVar aggregate classification (germline): Uncertain significance (1 of 4 stars; one submission).

Conditions:
T-cell immunodeficiency, congenital alopecia, and nail dystrophy. Also called: Congenital alopecia and nail dystrophy associated with severe functional T-cell immunodeficiency; Pignata Guarino syndrome. Identifiers: Orphanet 169095, MedGen C1866426, MONDO:0011132, OMIM 601705.

Submission:

Labcorp Genetics (formerly Invitae), Labcorp
Classification: Uncertain significance for T-cell immunodeficiency, congenital alopecia, and nail dystrophy. Last evaluated: 2022-03-13. Review status: criteria provided, single submitter. Criteria: Invitae Variant Classification Sherloc (09022015). Collection method: clinical testing. Allele origin: germline.
Comment: This sequence change replaces serine, which is neutral and polar, with phenylalanine, which is neutral and non-polar, at codon 605 of the FOXN1 protein (p.Ser605Phe). This variant is not present in population databases (gnomAD no frequency). This variant has not been reported in the literature in individuals affected with FOXN1-related conditions. Algorithms developed to predict the effect of missense changes on protein structure and function are either unavailable or do not agree on the potential impact of this missense change (SIFT: "Tolerated"; PolyPhen-2: "Possibly Damaging"; Align-GVGD: "Class C0"). In summary, the available evidence is currently insufficient to determine the role of this variant in disease. Therefore, it has been classified as a Variant of Uncertain Significance.